The following is an entry in ClinVar:

NM_001130987.2(DYSF):c.5047_5048del (p.Lys1683fs)

Gene: DYSF (dysferlin; plus strand). Cytogenetic location: 2p13.2.
Variant type: Deletion.
Coding change: c.5047_5048del on transcript NM_001130987.2 (MANE Select); coding-DNA positions 5047 to 5048, 2 bases deleted (AA; older notation c.5047_5048delAA).
Protein change: p.Lys1683fs; shifts the reading frame from lysine 1683.
Molecular consequence: frameshift variant.
Genome position (GRCh38, 1-based): chr2:71,664,311-71,664,312, AA deleted; deleting any 2 consecutive bases within chr2:71,664,310-71,664,312 gives the same sequence; the c. name uses the placement nearest the transcript's 3' end. VCF-style (leftmost placement, unchanged base first): chr2-71664309-TAA-T. GRCh37 (hg19) VCF-style: chr2-71891439-TAA-T.
Other names: c.4891_4892del, p.Lys1631fs (NM_001130986.2); c.4930_4931del, p.Lys1644fs (NM_003494.4); c.4933_4934del, p.Lys1645fs (NM_001130455.2); c.4888_4889del, p.Lys1630fs (NM_001130976.2); c.4951_4952del, p.Lys1651fs (NM_001130977.2); c.4993_4994del, p.Lys1665fs (NM_001130978.2); c.5023_5024del, p.Lys1675fs (NM_001130979.2); c.4981_4982del, p.Lys1661fs (NM_001130980.2); and 5 more; short protein forms K1630fs, K1631fs, K1644fs, K1645fs, K1651fs, K1652fs, K1661fs, K1662fs.
Identifiers: ClinVar variation 1725353 (VCV001725353.3), dbSNP rs2546540168, ClinGen allele CA2580067911.
Genomic context (GRCh38, chr2:71,664,309, plus strand): 5'-GAATCTGCCCCTCCTGCAGGATGTTCGAGCTGACCTGCACTCTGCCTCTGGAGAAGGACC[TAA>T]AGATCACTCTCTATGACTATGACCTCCTCTCCAAGGACGAAAAGATCGGTGAGACGGTCG-3'

ClinVar aggregate classification (germline): Likely pathogenic (1 of 4 stars; one submission).

Conditions:
Autosomal recessive limb-girdle muscular dystrophy. Identifiers: Orphanet 102015, MedGen C2931907, MONDO:0015152.

Submission:

Myriad Genetics, Inc.
Classification: Likely pathogenic for Autosomal recessive limb-girdle muscular dystrophy. Last evaluated: 2022-03-17. Review status: criteria provided, single submitter. Criteria: Myriad Autosomal Dominant, Autosomal Recessive and X-Linked Classification Criteria (2023). Collection method: clinical testing. Allele origin: unknown.
Comment: NM_003494.3(DYSF):c.4930_4931delAA(K1644Dfs*5) is expected to be pathogenic in the context of dysferlinopathy. This variant is predicted to lead to an abnormal or absent protein product due to the creation of a premature termination codon in DYSF, a gene where loss-of-function variants are known to be pathogenic. Please note: this variant was assessed in the context of healthy population screening.